The following is an entry in ClinVar:

NM_015978.3(TNNI3K):c.482A>G (p.Asn161Ser)

Genes: FPGT-TNNI3K (FPGT-TNNI3K readthrough; plus strand), TNNI3K (TNNI3 interacting kinase; plus strand). Cytogenetic location: 1p31.1.
Variant type: single nucleotide variant.
Coding change: c.482A>G on transcript NM_015978.3 (MANE Select); coding-DNA position 482, A replaced by G.
Protein change: p.Asn161Ser; replaces asparagine 161 with serine.
Molecular consequence: missense variant.
Genome position (GRCh38, 1-based): chr1:74,331,487, A>G. VCF-style: chr1-74331487-A-G. GRCh37 (hg19) VCF-style: chr1-74797171-A-G.
Other names: c.785A>G, p.Asn262Ser (NM_001112808.3, NM_001199327.2); short protein forms N161S, N262S.
Identifiers: ClinVar variation 1422173 (VCV001422173.6), dbSNP rs369749140, ClinGen allele CA908919.

ClinVar aggregate classification (germline): Uncertain significance (1 of 4 stars; one submission).

Allele frequency attached by ClinVar (database versions not stated): gnomAD 0.00001; gnomAD exomes 0.00001 and 0.00002; ExAC 0.00002; TOPMed 0.00004; ESP Exome Variant Server 0.00008.

Submission:

Labcorp Genetics (formerly Invitae), Labcorp
Classification: Uncertain significance. Last evaluated: 2025-06-09. Review status: criteria provided, single submitter. Criteria: Invitae Variant Classification Sherloc (09022015). Collection method: clinical testing. Allele origin: germline.
Comment: This sequence change replaces asparagine, which is neutral and polar, with serine, which is neutral and polar, at codon 161 of the TNNI3K protein (p.Asn161Ser). This variant is present in population databases (rs369749140, gnomAD 0.003%). This variant has not been reported in the literature in individuals affected with TNNI3K-related conditions. ClinVar contains an entry for this variant (Variation ID: 1422173). Invitae Evidence Modeling of protein sequence and biophysical properties (such as structural, functional, and spatial information, amino acid conservation, physicochemical variation, residue mobility, and thermodynamic stability) indicates that this missense variant is not expected to disrupt TNNI3K protein function with a negative predictive value of 80%. In summary, the available evidence is currently insufficient to determine the role of this variant in disease. Therefore, it has been classified as a Variant of Uncertain Significance.